The following is an entry in ClinVar:

ClinVar aggregate classification (germline): Uncertain significance. Review status: criteria provided, multiple submitters, no conflicts (2 of 4 stars). 3 submissions from 3 submitters: Uncertain significance (3). Last evaluated 2024-01-29.

Conditions:
Cryopyrin associated periodic syndrome (CAPS). Identifiers: Orphanet 208650, MedGen C2316212, MONDO:0016168.
Inborn genetic diseases. Identifiers: MedGen C0950123, MeSH D030342.
NLRP3-related disorder. Also called: NLRP3-related condition; NLRP3-Related Disorders.

gnomAD v4.1: 13 of 1,614,126 alleles (0.00081%); highest among the groups gnomAD compares: Non-Finnish European, 0.0011%; no homozygotes.

Submissions (3):

Ambry Genetics
Classification: Uncertain significance for Inborn genetic diseases. Last evaluated: 2024-01-29. Review status: criteria provided, single submitter. Criteria: Ambry Variant Classification Scheme 2023. Collection method: clinical testing. Allele origin: germline.

PreventionGenetics, part of Exact Sciences
Classification: Uncertain significance for NLRP3-related condition. Last evaluated: 2022-09-28. Review status: criteria provided, single submitter. Criteria: ACMG Guidelines, 2015. Collection method: clinical testing. Allele origin: germline.
Comment: The NLRP3 c.160C>G variant is predicted to result in the amino acid substitution p.Leu54Val. To our knowledge, this variant has not been reported in the literature or in a large population database, indicating this variant is rare. At this time, the clinical significance of this variant is uncertain due to the absence of conclusive functional and genetic evidence.

Labcorp Genetics (formerly Invitae), Labcorp
Classification: Uncertain significance for Cryopyrin associated periodic syndrome. Last evaluated: 2019-09-18. Review status: criteria provided, single submitter. Criteria: Invitae Variant Classification Sherloc (09022015). Collection method: clinical testing. Allele origin: germline.
Comment: Algorithms developed to predict the effect of missense changes on protein structure and function (SIFT, PolyPhen-2, Align-GVGD) all suggest that this variant is likely to be tolerated, but these predictions have not been confirmed by published functional studies and their clinical significance is uncertain. This variant has not been reported in the literature in individuals with NLRP3-related conditions. This variant is not present in population databases (ExAC no frequency). This sequence change replaces leucine with valine at codon 54 of the NLRP3 protein (p.Leu54Val). The leucine residue is highly conserved and there is a small physicochemical difference between leucine and valine. In summary, the available evidence is currently insufficient to determine the role of this variant in disease. Therefore, it has been classified as a Variant of Uncertain Significance.

NM_001243133.2(NLRP3):c.154C>G (p.Leu52Val)

Gene: NLRP3 (NLR family pyrin domain containing 3; plus strand). Cytogenetic location: 1q44.
Variant type: single nucleotide variant.
Coding change: c.154C>G on transcript NM_001243133.2 (MANE Select); coding-DNA position 154, C replaced by G.
Protein change: p.Leu52Val; replaces leucine 52 with valine.
Molecular consequence: missense variant.
Genome position (GRCh38, 1-based): chr1:247,418,954, C>G. VCF-style: chr1-247418954-C-G. GRCh37 (hg19) VCF-style: chr1-247582256-C-G.
Other names: c.154C>G, p.Leu52Val (NM_001079821.3, NM_001127461.3, NM_001127462.3 and 1 more transcripts); c.160C>G, p.Leu54Val (NM_004895.5); short protein forms L54V, L52V.
Identifiers: ClinVar variation 958913 (VCV000958913.11), dbSNP rs1475761802, ClinGen allele CA345552481.
Genomic context (GRCh38, chr1:247,418,954, plus strand): 5'-CCCCAGAAGGGCTGCATCCCCCTCCCGAGGGGTCAGACAGAGAAGGCAGACCATGTGGAT[C>G]TAGCCACGCTAATGATCGACTTCAATGGGGAGGAGAAGGCGTGGGCCATGGCCGTGTGGA-3'
Protein context (NP_001230062.1, residues 42-62): GQTEKADHVD[Leu52Val]ATLMIDFNGE